The following is an entry in ClinVar:

NM_000158.4(GBE1):c.1951G>T (p.Asp651Tyr)

Gene: GBE1 (1,4-alpha-glucan branching enzyme 1; minus strand). Cytogenetic location: 3p12.2.
Variant type: single nucleotide variant.
Coding change: c.1951G>T on transcript NM_000158.4 (MANE Select); coding-DNA position 1951, G replaced by T.
Protein change: p.Asp651Tyr; replaces aspartic acid 651 with tyrosine.
Molecular consequence: missense variant.
Genome position (GRCh38, 1-based): chr3:81,499,211, C>A on the plus strand (G>T on the coding strand, the complement: GBE1 is on the minus strand). VCF-style: chr3-81499211-C-A. GRCh37 (hg19) VCF-style: chr3-81548362-C-A.
Other names: p.Asp651Tyr; short protein forms D651Y.
Identifiers: ClinVar variation 4540894 (VCV004540894.1).

ClinVar aggregate classification (germline): Uncertain significance (1 of 4 stars; one submission).

Submission:

Mayo Clinic Laboratories, Mayo Clinic
Classification: Uncertain significance. Last evaluated: 2025-08-12. Review status: criteria provided, single submitter. Criteria: ACMG Guidelines, 2015. Collection method: clinical testing. Allele origin: germline. Observed: 1 variant allele.
Comment: PP3_moderate, PM2_supporting